The following is an entry in ClinVar:

NM_031277.3(RNF17):c.3558A>G (p.Thr1186=)

Gene: RNF17 (ring finger protein 17; plus strand). Cytogenetic location: 13q12.12.
Variant type: single nucleotide variant.
Coding change: c.3558A>G on transcript NM_031277.3 (MANE Select); coding-DNA position 3558, A replaced by G.
Protein change: p.Thr1186=; no amino-acid change (threonine 1186 retained).
Molecular consequence: synonymous variant.
Genome position (GRCh38, 1-based): chr13:24,854,092, A>G. VCF-style: chr13-24854092-A-G. GRCh37 (hg19) VCF-style: chr13-25428230-A-G.
Other names: c.3546A>G, p.Thr1182= (NM_001184993.2).
Identifiers: ClinVar variation 2643696 (VCV002643696.24), dbSNP rs141096895, ClinGen allele CA6918663.

ClinVar aggregate classification (germline): Likely benign (1 of 4 stars; one submission).

Allele frequency attached by ClinVar (database versions not stated): 1000 Genomes Project 30x 0.00016; 1000 Genomes Project 0.00020; gnomAD exomes 0.00066; gnomAD 0.00078; TOPMed 0.00084; ExAC 0.00100; ESP Exome Variant Server 0.00131.
gnomAD v4.1: 1,152 of 1,614,020 alleles (0.071%); highest among the groups gnomAD compares: Middle Eastern, 0.13%; 11 homozygotes.

Submission:

CeGaT Center for Human Genetics Tuebingen
Classification: Likely benign. Last evaluated: 2023-01-01. Review status: criteria provided, single submitter. Criteria: CeGaT Center For Human Genetics Tuebingen Variant Classification Criteria Version 2. Collection method: clinical testing. Allele origin: germline. Affected: yes. Observed: 1 variant allele.
Comment: RNF17: BP4, BP7